The following is an entry in ClinVar:

NM_033343.4(LHX4):c.364C>T (p.Arg122Trp)

Gene: LHX4 (LIM homeobox 4; plus strand). Cytogenetic location: 1q25.2.
Variant type: single nucleotide variant.
Coding change: c.364C>T on transcript NM_033343.4 (MANE Select); coding-DNA position 364, C replaced by T.
Protein change: p.Arg122Trp; replaces arginine 122 with tryptophan.
Molecular consequence: missense variant.
Genome position (GRCh38, 1-based): chr1:180,266,507, C>T. VCF-style: chr1-180266507-C-T. GRCh37 (hg19) VCF-style: chr1-180235642-C-T.
Other names: short protein forms R122W.
Identifiers: ClinVar variation 2627082 (VCV002627082.7), dbSNP rs374435549, ClinGen allele CA1271863.
Genomic context (GRCh38, chr1:180,266,507, plus strand): 5'-GTCCGCAAGGCCCAGGACTTTGTCTACCACCTGCACTGCTTTGCTTGCATCATCTGCAAC[C>T]GGCAGCTGGCCACGGGGGACGAATTCTACCTCATGGAGGACGGGCGGCTGGTGTGCAAGG-3'
Protein context (NP_203129.1, residues 112-132): LHCFACIICN[Arg122Trp]QLATGDEFYL

ClinVar aggregate classification (germline): Uncertain significance. Review status: criteria provided, single submitter (1 of 4 stars). 2 submissions from 2 submitters: Uncertain significance (1). 1 of the submissions does not count toward it. Last evaluated 2025-10-01.

Conditions:
Short stature-pituitary and cerebellar defects-small sella turcica syndrome (CPHD4). Also called: Pituitary hormone deficiency, combined with or without cerebellar defects; Short stature, pituitary and cerebellar defects and small sella turcica. Identifiers: Orphanet 85442, MedGen C2678408, MONDO:0009880, OMIM 262700.

Allele frequency attached by ClinVar (database versions not stated): ExAC 0.00001; TOPMed 0.00001; ESP Exome Variant Server 0.00008.
gnomAD v4.1: 12 of 1,614,104 alleles (0.00074%); highest among the groups gnomAD compares: East Asian, 0.0022%; no homozygotes.

Submissions (2):

CeGaT Center for Human Genetics Tuebingen
Classification: Uncertain significance. Last evaluated: 2025-10-01. Review status: criteria provided, single submitter. Criteria: CeGaT Center For Human Genetics Tuebingen Variant Classification Criteria Version 2. Collection method: clinical testing. Allele origin: germline. Affected: yes. Observed: 2 variant alleles.
Comment: LHX4: PM1, PM2:Supporting, PP3, PS3:Supporting

Zotz-Klimas Genetics Lab, MVZ Zotz Klimas
Classification: Uncertain significance for Short stature-pituitary and cerebellar defects-small sella turcica syndrome. Last evaluated: 2023-10-30. Review status: no assertion criteria provided. Collection method: clinical testing. Allele origin: germline. Affected: yes. Not counted in ClinVar's aggregate classification.